The following is an entry in ClinVar:

ClinVar aggregate classification (germline): Uncertain significance (1 of 4 stars; one submission).

Submission:

GeneDx
Classification: Uncertain significance. Last evaluated: 2022-11-01. Review status: criteria provided, single submitter. Criteria: GeneDx Variant Classification Process June 2021. Collection method: clinical testing. Allele origin: germline. Affected: yes.
Comment: Not observed at significant frequency in large population cohorts (gnomAD); In silico analysis supports that this missense variant does not alter protein structure/function; Has not been previously published as pathogenic or benign to our knowledge

NM_015001.3(SPEN):c.326G>A (p.Gly109Glu)

Gene: SPEN (spen family transcriptional repressor; plus strand). Cytogenetic location: 1p36.21.
Variant type: single nucleotide variant.
Coding change: c.326G>A on transcript NM_015001.3 (MANE Select); coding-DNA position 326, G replaced by A.
Protein change: p.Gly109Glu; replaces glycine 109 with glutamic acid.
Molecular consequence: missense variant.
Genome position (GRCh38, 1-based): chr1:15,873,058, G>A. VCF-style: chr1-15873058-G-A. GRCh37 (hg19) VCF-style: chr1-16199553-G-A.
Other names: short protein forms G109E.
Identifiers: ClinVar variation 2500429 (VCV002500429.1), dbSNP rs2522927611, ClinGen allele CA338596794.
Genomic context (GRCh38, chr1:15,873,058, plus strand): 5'-GGGGATTGGATGATACAGTTTCCATAGCATCTCGTAGTAGAGAGGTTTCTGGGTTCAGAG[G>A]AGGTGGTGGAGGGCCTGCTTATGGTCCCCCACCGTCACTTCATGCACGAGAAGGACGTTA-3'
Protein context (NP_055816.2, residues 99-119): SRSREVSGFR[Gly109Glu]GGGGPAYGPP